The following is an entry in ClinVar:

NM_025114.4(CEP290):c.5418_5422del (p.Lys1806_Thr1807insTer)

Gene: CEP290 (centrosomal protein 290; minus strand). Cytogenetic location: 12q21.32.
Variant type: Deletion.
Coding change: c.5418_5422del on transcript NM_025114.4 (MANE Select); coding-DNA positions 5418 to 5422, 5 bases deleted (AACAA; older notation c.5418_5422delAACAA).
Protein change: p.Lys1806_Thr1807insTer.
Molecular consequence: frameshift variant.
Genome position (GRCh38, 1-based): chr12:88,077,861-88,077,865, TTGTT deleted on the plus strand (AACAA on the coding strand, the reverse complement: CEP290 is on the minus strand); deleting any 5 consecutive bases within chr12:88,077,861-88,077,867 gives the same sequence; the c. name uses the placement nearest the transcript's 3' end. VCF-style (leftmost placement, unchanged base first): chr12-88077860-CTTGTT-C. GRCh37 (hg19) VCF-style: chr12-88471637-CTTGTT-C.
Other names: c.5418_5422delAACAA (NM_025114.3); c.5418_5422del5 (NM_025114.3).
Identifiers: ClinVar variation 1897303 (VCV001897303.8), dbSNP rs2499860162, ClinGen allele CA2575242882.

ClinVar aggregate classification (germline): Pathogenic/Likely pathogenic. Review status: criteria provided, multiple submitters, no conflicts (2 of 4 stars). 4 submissions from 4 submitters: Pathogenic (1); Likely pathogenic (2). 1 of the submissions does not count toward it. Last evaluated 2025-12-09.

Conditions:
Nephronophthisis. Also called: Juvenile Nephronophthisis. Identifiers: Orphanet 655, MedGen C0687120, MONDO:0019005, HP:0000090.
Meckel-Gruber syndrome. Also called: DYSENCEPHALIA SPLANCHNOCYSTICA; GRUBER SYNDROME; Dysencephalia splachnocystica. Identifiers: Orphanet 564, MedGen C0265215, MONDO:0018921.
Joubert syndrome. Also called: CEREBELLOPARENCHYMAL DISORDER IV; JOUBERT-BOLTSHAUSER SYNDROME; Familial aplasia of the vermis. Identifiers: Orphanet 475, MedGen C5979921, MONDO:0018772.
CEP290-related disorder. Also called: CEP290-related condition; CEP290-related disorders. Identifiers: MedGen CN239314.
Leber congenital amaurosis (LCA). Also called: Leber's amaurosis. Identifiers: Orphanet 65, MedGen C0339527, MeSH D057130, MONDO:0018998.
Bardet-Biedl syndrome 14 (BBS14). Identifiers: Orphanet 110, MedGen C2673874, MONDO:0014442, OMIM 615991.

Submissions (4):

Natera, Inc.
Classification: Likely pathogenic for Leber congenital amaurosis. Last evaluated: 2025-12-09. Review status: criteria provided, single submitter. Criteria: Natera Variant Classification Schema (03/2026). Collection method: clinical testing. Allele origin: germline.
Comment: The c.5418_5422delAACAA variant in CEP290 is a frameshift variant predicted to shift the reading frame and introduce a stop codon. This variant is expected to result in nonsense mediated decay, truncation, or a dysfunctional protein product. This variant is rare in the general population with a frequency below the threshold expected for the associated phenotype(s). Given the available evidence, this variant is classified as Likely Pathogenic.

Baylor Genetics
Classification: Likely pathogenic for Bardet-Biedl syndrome 14. Last evaluated: 2023-09-05. Review status: criteria provided, single submitter. Criteria: ACMG Guidelines, 2015. Collection method: clinical testing. Allele origin: unknown.

Labcorp Genetics (formerly Invitae), Labcorp
Classification: Pathogenic for Joubert syndrome; Meckel-Gruber syndrome; Nephronophthisis. Last evaluated: 2022-06-13. Review status: criteria provided, single submitter. Criteria: Invitae Variant Classification Sherloc (09022015). Collection method: clinical testing. Allele origin: germline.
Comment: This sequence change creates a premature translational stop signal (p.Thr1807*) in the CEP290 gene. It is expected to result in an absent or disrupted protein product. Loss-of-function variants in CEP290 are known to be pathogenic (PMID: 16909394, 17345604, 20690115). For these reasons, this variant has been classified as Pathogenic. This variant has not been reported in the literature in individuals affected with CEP290-related conditions. This variant is not present in population databases (gnomAD no frequency).

PreventionGenetics, part of Exact Sciences
Classification: Likely pathogenic for CEP290-related condition. Last evaluated: 2024-06-04. Review status: no assertion criteria provided. Collection method: clinical testing. Allele origin: germline. Not counted in ClinVar's aggregate classification.
Comment: The CEP290 c.5418_5422del5 variant is predicted to result in premature protein termination (p.Thr1807*). To our knowledge, this variant has not been reported in the literature or in a large population database, indicating this variant is rare. Nonsense variants in CEP290 are expected to be pathogenic. This variant is interpreted as likely pathogenic.

Literature cited by the submitters: PubMed 16909394 (cited by Labcorp Genetics (formerly Invitae), Labcorp); PubMed 17345604 (cited by Labcorp Genetics (formerly Invitae), Labcorp); PubMed 20690115 (cited by Labcorp Genetics (formerly Invitae), Labcorp).